The following is an entry in ClinVar:

NM_177438.3(DICER1):c.4562A>G (p.Asp1521Gly)

Gene: DICER1 (dicer 1, ribonuclease III; minus strand). Cytogenetic location: 14q32.13.
Variant type: single nucleotide variant.
Coding change: c.4562A>G on transcript NM_177438.3 (MANE Select); coding-DNA position 4562, A replaced by G.
Protein change: p.Asp1521Gly; replaces aspartic acid 1521 with glycine.
Molecular consequence: missense variant.
Genome position (GRCh38, 1-based): chr14:95,096,358, T>C on the plus strand (A>G on the coding strand, the complement: DICER1 is on the minus strand). VCF-style: chr14-95096358-T-C. GRCh37 (hg19) VCF-style: chr14-95562695-T-C.
Other names: c.4562A>G, p.Asp1521Gly (NM_001271282.3, NM_001291628.2, NM_030621.4 and 1 more transcripts); short protein forms D1521G.
Identifiers: ClinVar variation 842220 (VCV000842220.14), dbSNP rs1434924094, ClinGen allele CA390867811.

ClinVar aggregate classification (germline): Uncertain significance. Review status: criteria provided, multiple submitters, no conflicts (2 of 4 stars). 2 submissions from 2 submitters: Uncertain significance (2). Last evaluated 2025-05-20.

Conditions:
DICER1-related tumor predisposition. Also called: DICER1 syndrome; DICER1-related pleuropulmonary blastoma cancer predisposition syndrome. Identifiers: Orphanet 284343, MedGen C3839822, MONDO:0100216.
Hereditary cancer-predisposing syndrome. Also called: Neoplastic Syndromes, Hereditary; Hereditary neoplastic syndrome; Tumor predisposition; Hereditary Cancer Syndrome. Identifiers: Orphanet 140162, MedGen C0027672, MeSH D009386, MONDO:0015356.

Allele frequency attached by ClinVar (database versions not stated): gnomAD exomes below 0.00001; TOPMed below 0.00001.
gnomAD v4.1: 1 of 1,614,196 alleles (0.000062%); highest among the groups gnomAD compares: Non-Finnish European, 0.000085%; no homozygotes.

Submissions (2):

Ambry Genetics
Classification: Uncertain significance for Hereditary cancer-predisposing syndrome. Last evaluated: 2025-05-20. Review status: criteria provided, single submitter. Criteria: Ambry Variant Classification Scheme 2023. Collection method: clinical testing. Allele origin: germline.
Comment: The p.D1521G variant (also known as c.4562A>G), located in coding exon 22 of the DICER1 gene, results from an A to G substitution at nucleotide position 4562. The aspartic acid at codon 1521 is replaced by glycine, an amino acid with similar properties. This amino acid position is conserved. In addition, this alteration is predicted to be deleterious by in silico analysis. Based on the available evidence, the clinical significance of this variant remains unclear.

Labcorp Genetics (formerly Invitae), Labcorp
Classification: Uncertain significance for DICER1-related tumor predisposition. Last evaluated: 2024-03-06. Review status: criteria provided, single submitter. Criteria: Invitae Variant Classification Sherloc (09022015). Collection method: clinical testing. Allele origin: germline.
Comment: This sequence change replaces aspartic acid, which is acidic and polar, with glycine, which is neutral and non-polar, at codon 1521 of the DICER1 protein (p.Asp1521Gly). This variant is not present in population databases (gnomAD no frequency). This variant has not been reported in the literature in individuals affected with DICER1-related conditions. ClinVar contains an entry for this variant (Variation ID: 842220). An algorithm developed to predict the effect of missense changes on protein structure and function (PolyPhen-2) suggests that this variant is likely to be tolerated. In summary, the available evidence is currently insufficient to determine the role of this variant in disease. Therefore, it has been classified as a Variant of Uncertain Significance.